The following is an entry in ClinVar:

NM_001199753.2(CPT1C):c.369C>G (p.His123Gln)

Gene: CPT1C (carnitine palmitoyltransferase 1C; plus strand). Cytogenetic location: 19q13.33.
Variant type: single nucleotide variant.
Coding change: c.369C>G on transcript NM_001199753.2 (MANE Select); coding-DNA position 369, C replaced by G.
Protein change: p.His123Gln; replaces histidine 123 with glutamine.
Molecular consequence: missense variant. On other transcripts: non-coding transcript variant (1).
Genome position (GRCh38, 1-based): chr19:49,700,771, C>G. VCF-style: chr19-49700771-C-G. GRCh37 (hg19) VCF-style: chr19-50204028-C-G.
Other names: c.369C>G, p.His123Gln (NM_001378482.1, NM_001378483.1, NM_001378484.1 and 7 more transcripts); short protein forms H123Q.
Identifiers: ClinVar variation 3723896 (VCV003723896.2).

ClinVar aggregate classification (germline): Uncertain significance (1 of 4 stars; one submission).

Conditions:
Hereditary spastic paraplegia 73. Also called: Spastic paraplegia 73, autosomal dominant. Identifiers: Orphanet 444099, MedGen C5568981, MONDO:0014568, OMIM 616282.

gnomAD v4.1: 28 of 1,613,248 alleles (0.0017%); highest among the groups gnomAD compares: Non-Finnish European, 0.0023%; no homozygotes.

Submission:

Labcorp Genetics (formerly Invitae), Labcorp
Classification: Uncertain significance for Hereditary spastic paraplegia 73. Last evaluated: 2024-11-25. Review status: criteria provided, single submitter. Criteria: Invitae Variant Classification Sherloc (09022015). Collection method: clinical testing. Allele origin: germline.
Comment: This sequence change replaces histidine, which is basic and polar, with glutamine, which is neutral and polar, at codon 123 of the CPT1C protein (p.His123Gln). This variant is not present in population databases (gnomAD no frequency). This variant has not been reported in the literature in individuals affected with CPT1C-related conditions. An algorithm developed to predict the effect of missense changes on protein structure and function (PolyPhen-2) suggests that this variant is likely to be disruptive. In summary, the available evidence is currently insufficient to determine the role of this variant in disease. Therefore, it has been classified as a Variant of Uncertain Significance.